The following is an entry in ClinVar:

ClinVar aggregate classification (germline): Uncertain significance (1 of 4 stars; one submission).

Conditions:
Intellectual developmental disorder, X-linked, syndromic 14. Also called: Syndromic X-linked intellectual disability 14. Identifiers: Orphanet 776, MedGen C1970822, MONDO:0010398, OMIM 300676.

Submission:

Labcorp Genetics (formerly Invitae), Labcorp
Classification: Uncertain significance for Intellectual developmental disorder, X-linked, syndromic 14. Last evaluated: 2024-04-01. Review status: criteria provided, single submitter. Criteria: Invitae Variant Classification Sherloc (09022015). Collection method: clinical testing. Allele origin: germline.
Comment: This variant, c.651_653del, results in the deletion of 1 amino acid(s) of the UPF3B protein (p.Arg221del), but otherwise preserves the integrity of the reading frame. This variant is not present in population databases (gnomAD no frequency). This variant has not been reported in the literature in individuals affected with UPF3B-related conditions. Experimental studies and prediction algorithms are not available or were not evaluated, and the functional significance of this variant is currently unknown. In summary, the available evidence is currently insufficient to determine the role of this variant in disease. Therefore, it has been classified as a Variant of Uncertain Significance.

NM_080632.3(UPF3B):c.651_653del (p.Arg221del)

Gene: UPF3B (UPF3B regulator of nonsense mediated mRNA decay; minus strand). Cytogenetic location: Xq24.
Variant type: Deletion.
Coding change: c.651_653del on transcript NM_080632.3 (MANE Select); coding-DNA positions 651 to 653, 3 bases deleted (AAG; older notation c.651_653delAAG).
Protein change: p.Arg221del; deletes arginine 221.
Genome position (GRCh38, 1-based): chrX:119,841,230-119,841,232, CTT deleted on the plus strand (AAG on the coding strand, the reverse complement: UPF3B is on the minus strand). VCF-style (leftmost placement, unchanged base first): chrX-119841229-CCTT-C. GRCh37 (hg19) VCF-style: chrX-118975192-CCTT-C.
Other names: c.651_653del, p.Arg221del (NM_023010.4); short protein forms R221del.
Identifiers: ClinVar variation 3664880 (VCV003664880.2).
Genomic context (GRCh38, chrX:119,841,229, plus strand): 5'-TTCTTTCCATTTCCTCCTCTCTTCTTCTCTTTGTCTTTTTCTTTCTATTTCTCTCCTCCT[CCTT>C]TCTTCTCTCTTTTCTTCTCTCATTCTCTAGAAAGAAACATCAACACAAGCCTTCAAATAA-3'